The following is an entry in ClinVar:

NM_012073.5(CCT5):c.1571T>C (p.Val524Ala)

Gene: CCT5 (chaperonin containing TCP1 subunit 5; plus strand). Cytogenetic location: 5p15.2.
Variant type: single nucleotide variant.
Coding change: c.1571T>C on transcript NM_012073.5 (MANE Select); coding-DNA position 1571, T replaced by C.
Protein change: p.Val524Ala; replaces valine 524 with alanine.
Molecular consequence: missense variant.
Genome position (GRCh38, 1-based): chr5:10,264,728, T>C. VCF-style: chr5-10264728-T-C. GRCh37 (hg19) VCF-style: chr5-10264840-T-C.
Other names: c.1508T>C, p.Val503Ala (NM_001306153.1); c.1406T>C, p.Val469Ala (NM_001306154.2); c.1292T>C, p.Val431Ala (NM_001306155.2); c.1457T>C, p.Val486Ala (NM_001306156.2); short protein forms V431A, V469A, V486A, V503A, V524A.
Identifiers: ClinVar variation 1721776 (VCV001721776.5), dbSNP rs1377434629, ClinGen allele CA359186808.

ClinVar aggregate classification (germline): Uncertain significance (1 of 4 stars; one submission).

Conditions:
Hereditary sensory and autonomic neuropathy with spastic paraplegia (HSNSP). Identifiers: Orphanet 139578, MedGen C1850395, MONDO:0009748, OMIM 256840.

Allele frequency attached by ClinVar (database versions not stated): gnomAD 0.00001.
gnomAD v4.1: 1 of 1,613,574 alleles (0.000062%); highest among the groups gnomAD compares: Non-Finnish European, 0.000085%; no homozygotes.

Submission:

Labcorp Genetics (formerly Invitae), Labcorp
Classification: Uncertain significance for Hereditary sensory and autonomic neuropathy with spastic paraplegia. Last evaluated: 2022-10-17. Review status: criteria provided, single submitter. Criteria: Invitae Variant Classification Sherloc (09022015). Collection method: clinical testing. Allele origin: germline.
Comment: In summary, the available evidence is currently insufficient to determine the role of this variant in disease. Therefore, it has been classified as a Variant of Uncertain Significance. Advanced modeling of protein sequence and biophysical properties (such as structural, functional, and spatial information, amino acid conservation, physicochemical variation, residue mobility, and thermodynamic stability) performed at Invitae indicates that this missense variant is not expected to disrupt CCT5 protein function. This variant has not been reported in the literature in individuals affected with CCT5-related conditions. This variant is present in population databases (no rsID available, gnomAD 0.007%). This sequence change replaces valine, which is neutral and non-polar, with alanine, which is neutral and non-polar, at codon 524 of the CCT5 protein (p.Val524Ala).